The following is an entry in ClinVar:

NM_001257291.2(SLC9A7):c.1186C>T (p.His396Tyr)

Gene: SLC9A7 (solute carrier family 9 member A7; minus strand). Cytogenetic location: Xp11.3.
Variant type: single nucleotide variant.
Coding change: c.1186C>T on transcript NM_001257291.2 (MANE Select); coding-DNA position 1186, C replaced by T.
Protein change: p.His396Tyr; replaces histidine 396 with tyrosine.
Molecular consequence: missense variant.
Genome position (GRCh38, 1-based): chrX:46,651,366, G>A on the plus strand (C>T on the coding strand, the complement: SLC9A7 is on the minus strand). VCF-style: chrX-46651366-G-A. GRCh37 (hg19) VCF-style: chrX-46510801-G-A.
Other names: c.1183C>T, p.His395Tyr (NM_032591.3); short protein forms H395Y, H396Y.
Identifiers: ClinVar variation 1308539 (VCV001308539.2), dbSNP rs2146778550, ClinGen allele CA413035765.

ClinVar aggregate classification (germline): Uncertain significance (1 of 4 stars; one submission).

Submission:

GeneDx
Classification: Uncertain significance. Last evaluated: 2019-04-05. Review status: criteria provided, single submitter. Criteria: GeneDx Variant Classification Process June 2021. Collection method: clinical testing. Allele origin: germline. Affected: yes.
Comment: Not observed in large population cohorts (Lek et al., 2016); In silico analysis, which includes protein predictors and evolutionary conservation, supports a deleterious effect; Has not been previously published as pathogenic or benign to our knowledge